The following is an entry in ClinVar:

NM_006016.6(CD164):c.-41C>G

Gene: CD164 (CD164 molecule; minus strand). Cytogenetic location: 6q21.
Variant type: single nucleotide variant.
Coding change: c.-41C>G on transcript NM_006016.6 (MANE Select); 41 bases upstream of the start codon, C replaced by G.
Molecular consequence: 5 prime UTR variant.
Genome position (GRCh38, 1-based): chr6:109,382,419, G>C on the plus strand (C>G on the coding strand, the complement: CD164 is on the minus strand). VCF-style: chr6-109382419-G-C. GRCh37 (hg19) VCF-style: chr6-109703622-G-C.
Other names: c.-41C>G (NM_001142401.3, NM_001142402.3, NM_001142403.3 and 1 more transcripts).
Identifiers: ClinVar variation 508628 (VCV000508628.1), dbSNP rs190842782, ClinGen allele CA3951752.
Genomic context (GRCh38, chr6:109,382,419, plus strand): 5'-GAGCGGGAGAGCCGCGACATCGTGTCCTCAGCGCTGGCGTTCGGGAGAAAGCTAAGGCTC[G>C]CAACGCTCAGTCAACCCCTCAATCCCCTGCGGCGCCGCCTCCGAGACTACGCTCCCCCGC-3'

ClinVar aggregate classification (germline): Benign (1 of 4 stars; one submission).

Allele frequency attached by ClinVar (database versions not stated): TOPMed 0.00310; 1000 Genomes Project 0.01158; 1000 Genomes Project 30x 0.01171.
gnomAD v4.1: 2,154 of 1,467,738 alleles (0.15%); highest among the groups gnomAD compares: East Asian, 4.5%; 64 homozygotes.

Submission:

GeneDx
Classification: Benign. Last evaluated: 2017-08-31. Review status: criteria provided, single submitter. Criteria: GeneDx Variant Classification (06012015). Collection method: clinical testing. Allele origin: germline. Affected: yes.
Comment: This variant is considered likely benign or benign based on one or more of the following criteria: it is a conservative change, it occurs at a poorly conserved position in the protein, it is predicted to be benign by multiple in silico algorithms, and/or has population frequency not consistent with disease.